The following is an entry in ClinVar:

ClinVar aggregate classification (germline): Pathogenic (1 of 4 stars; one submission).

Conditions:
Tuberous sclerosis 1 (TSC1). Identifiers: Orphanet 805, MedGen C1854465, MONDO:0008612, OMIM 191100.

Submission:

Department of Neurology, Zibo Changguo Hospital
Classification: Pathogenic for Tuberous sclerosis 1. Last evaluated: 2025-01-10. Review status: criteria provided, single submitter. Criteria: ACMG Guidelines, 2015. Collection method: clinical testing. Allele origin: germline. Inheritance: Autosomal dominant inheritance. Affected: yes.
Comment: PVS1, PM2_Supporting, PP4

NM_000368.5(TSC1):c.1641_1642del (p.Pro548fs)

Gene: TSC1 (TSC complex subunit 1; minus strand). Cytogenetic location: 9q34.13.
Variant type: Microsatellite.
Coding change: c.1641_1642del on transcript NM_000368.5 (MANE Select); coding-DNA positions 1641 to 1642, 2 bases deleted (AC; older notation c.1641_1642delAC).
Protein change: p.Pro548fs; shifts the reading frame from proline 548.
Molecular consequence: frameshift variant. On other transcripts: non-coding transcript variant (5).
Genome position (GRCh38, 1-based): chr9:132,905,936-132,905,937, GT deleted on the plus strand (AC on the coding strand, the reverse complement: TSC1 is on the minus strand); deleting any 2 consecutive bases within chr9:132,905,936-132,905,941 gives the same sequence; the c. name uses the placement nearest the transcript's 3' end. VCF-style (leftmost placement, unchanged base first): chr9-132905935-GGT-G. GRCh37 (hg19) VCF-style: chr9-135781322-GGT-G.
Other names: c.1638_1639del, p.Pro547fs (NM_001162426.2, NM_001406597.1, NM_001406598.1 and 6 more transcripts); c.1488_1489del, p.Pro497fs (NM_001162427.2, NM_001406610.1); c.1278_1279del, p.Pro427fs (NM_001362177.2, NM_001406614.1, NM_001406615.1 and 5 more transcripts); c.1641_1642del, p.Pro548fs (NM_001406592.1, NM_001406593.1, NM_001406594.1 and 7 more transcripts); c.1637_1638AC[2], p.Pro548Lysfs (NM_000368.4); c.1485_1486del, p.Pro496fs (NM_001406611.1, NM_001406612.1, NM_001406613.1); c.1275_1276del, p.Pro426fs (NM_001406620.1, NM_001406621.1, NM_001406622.1 and 2 more transcripts); c.690_691del, p.Pro231fs (NM_001406626.1); and 3 more; short protein forms P197fs, P230fs, P231fs, P426fs, P427fs, P496fs, P497fs, P547fs.
Identifiers: ClinVar variation 3770215 (VCV003770215.1).